The following is an entry in ClinVar:

NM_001252024.2(TRPM1):c.2316G>T (p.Lys772Asn)

Gene: TRPM1 (transient receptor potential cation channel subfamily M member 1; minus strand). Cytogenetic location: 15q13.3.
Variant type: single nucleotide variant.
Coding change: c.2316G>T on transcript NM_001252024.2 (MANE Select); coding-DNA position 2316, G replaced by T.
Protein change: p.Lys772Asn; replaces lysine 772 with asparagine.
Molecular consequence: missense variant.
Genome position (GRCh38, 1-based): chr15:31,040,118, C>A on the plus strand (G>T on the coding strand, the complement: TRPM1 is on the minus strand). VCF-style: chr15-31040118-C-A. GRCh37 (hg19) VCF-style: chr15-31332321-C-A.
Other names: c.2367G>T, p.Lys789Asn (NM_001252020.2); c.2250G>T, p.Lys750Asn (NM_002420.6); short protein forms K750N, K789N, K772N.
Identifiers: ClinVar variation 2030954 (VCV002030954.4), dbSNP rs779743027, ClinGen allele CA391509300.

ClinVar aggregate classification (germline): Uncertain significance (1 of 4 stars; one submission).

gnomAD v4.1: 2 of 1,614,204 alleles (0.00012%); highest among the groups gnomAD compares: Non-Finnish European, 0.00017%; no homozygotes.

Submission:

Labcorp Genetics (formerly Invitae), Labcorp
Classification: Uncertain significance. Last evaluated: 2022-07-23. Review status: criteria provided, single submitter. Criteria: Invitae Variant Classification Sherloc (09022015). Collection method: clinical testing. Allele origin: germline.
Comment: This sequence change replaces lysine, which is basic and polar, with asparagine, which is neutral and polar, at codon 750 of the TRPM1 protein (p.Lys750Asn). This variant also falls at the last nucleotide of exon 17, which is part of the consensus splice site for this exon. In summary, the available evidence is currently insufficient to determine the role of this variant in disease. Therefore, it has been classified as a Variant of Uncertain Significance. Variants that disrupt the consensus splice site are a relatively common cause of aberrant splicing (PMID: 17576681, 9536098). Algorithms developed to predict the effect of missense changes on protein structure and function (SIFT, PolyPhen-2, Align-GVGD) all suggest that this variant is likely to be disruptive. This variant has not been reported in the literature in individuals affected with TRPM1-related conditions. This variant is not present in population databases (gnomAD no frequency).

Literature cited by the submitters: PubMed 17576681; PubMed 9536098.